The following is an entry in ClinVar:

ClinVar aggregate classification (germline): Uncertain significance. Review status: criteria provided, multiple submitters, no conflicts (2 of 4 stars). 3 submissions from 3 submitters: Uncertain significance (3). Last evaluated 2024-09-26.

Conditions:
Epidermolysis bullosa simplex 5C, with pyloric atresia (EBS5C). Also called: PLEC1-Related Epidermolysis Bullosa with Pyloric Atresia; Epidermolysis bullosa simplex with pyloric atresia; PLEC-Related Epidermolysis Bullosa with Pyloric Atresia. Identifiers: Orphanet 158684, MedGen C2677349, MONDO:0012807, OMIM 612138.
Autosomal recessive limb-girdle muscular dystrophy type 2Q (LGMDR17). Also called: MUSCULAR DYSTROPHY, LIMB-GIRDLE, AUTOSOMAL RECESSIVE 17. Identifiers: Orphanet 254361, MedGen C3150989, MONDO:0013390, OMIM 613723.
Epidermolysis bullosa simplex with nail dystrophy (EBS5D). Identifiers: MedGen C4225309, MONDO:0014661, OMIM 616487.
Epidermolysis bullosa simplex 5B, with muscular dystrophy (EBS5B). Also called: Epidermolysis bullosa simplex with muscular dystrophy; EPIDERMOLYSIS BULLOSA SIMPLEX AND LIMB-GIRDLE MUSCULAR DYSTROPHY. Identifiers: Orphanet 257, MedGen C2931072, MONDO:0009181, OMIM 226670.
Epidermolysis bullosa simplex, Ogna type (EBS5A). Also called: EPIDERMOLYSIS BULLOSA SIMPLEX 5A, OGNA TYPE; Pidermolysis bullosa simplex 5A, Ogna type. Identifiers: Orphanet 79401, MedGen C0432317, MONDO:0007555, OMIM 131950.
Inborn genetic diseases. Identifiers: MedGen C0950123, MeSH D030342.

Allele frequency attached by ClinVar (database versions not stated): gnomAD exomes 0.00001.
gnomAD v4.1: 20 of 1,570,596 alleles (0.0013%); highest among the groups gnomAD compares: East Asian, 0.0024%; no homozygotes.

Submissions (3):

Ambry Genetics
Classification: Uncertain significance for Inborn genetic diseases. Last evaluated: 2024-09-26. Review status: criteria provided, single submitter. Criteria: Ambry Variant Classification Scheme 2023. Collection method: clinical testing. Allele origin: germline.

Labcorp Genetics (formerly Invitae), Labcorp
Classification: Uncertain significance for Autosomal recessive limb-girdle muscular dystrophy type 2Q; Epidermolysis bullosa simplex, Ogna type; Epidermolysis bullosa simplex with nail dystrophy; Epidermolysis bullosa simplex 5C, with pyloric atresia; Epidermolysis bullosa simplex 5B, with muscular dystrophy. Last evaluated: 2022-06-27. Review status: criteria provided, single submitter. Criteria: Invitae Variant Classification Sherloc (09022015). Collection method: clinical testing. Allele origin: germline.
Comment: Algorithms developed to predict the effect of missense changes on protein structure and function are either unavailable or do not agree on the potential impact of this missense change (SIFT: "Deleterious"; PolyPhen-2: "Not Available"; Align-GVGD: "Class C55"). In summary, the available evidence is currently insufficient to determine the role of this variant in disease. Therefore, it has been classified as a Variant of Uncertain Significance. ClinVar contains an entry for this variant (Variation ID: 844459). This variant has not been reported in the literature in individuals affected with PLEC-related conditions. The frequency data for this variant in the population databases is considered unreliable, as metrics indicate poor data quality at this position in the gnomAD database. This sequence change replaces glutamic acid, which is acidic and polar, with lysine, which is basic and polar, at codon 1857 of the PLEC protein (p.Glu1857Lys).

Revvity Omics, Revvity
Classification: Uncertain significance. Last evaluated: 2019-04-03. Review status: criteria provided, single submitter. Criteria: ACMG Guidelines, 2015. Collection method: clinical testing. Allele origin: germline.

NM_201384.3(PLEC):c.5488G>A (p.Glu1830Lys)

Gene: PLEC (plectin; minus strand). Cytogenetic location: 8q24.3.
Variant type: single nucleotide variant.
Coding change: c.5488G>A on transcript NM_201384.3 (MANE Select); coding-DNA position 5488, G replaced by A.
Protein change: p.Glu1830Lys; replaces glutamic acid 1830 with lysine.
Molecular consequence: missense variant.
Genome position (GRCh38, 1-based): chr8:143,924,441, C>T on the plus strand (G>A on the coding strand, the complement: PLEC is on the minus strand). VCF-style: chr8-143924441-C-T. GRCh37 (hg19) VCF-style: chr8-144998609-C-T.
Other names: c.5569G>A (NM_000445.3); c.5569G>A, p.Glu1857Lys (NM_000445.5); c.5446G>A, p.Glu1816Lys (NM_201378.4); c.5422G>A, p.Glu1808Lys (NM_201379.3); c.5899G>A, p.Glu1967Lys (NM_201380.4); c.5392G>A, p.Glu1798Lys (NM_201381.3); c.5488G>A, p.Glu1830Lys (NM_201382.4); c.5500G>A, p.Glu1834Lys (NM_201383.3); short protein forms E1816K, E1830K, E1834K, E1967K, E1798K, E1857K, E1808K.
Identifiers: ClinVar variation 844459 (VCV000844459.10), dbSNP rs1554697350, ClinGen allele CA372544668.
Genomic context (GRCh38, chr8:143,924,441, plus strand): 5'-TCTTGAGCCGCGTGGCCTCGCCGATGGCGGCCAGCTTCTCCGCAAGCACCCGCTCCGCCT[C>T]GGCCCGCTGCCGCGCCGCGTCTTCCTCGGCCAGCTGCCGCTGCCGCTTGGCCTCTTCCGC-3'
Protein context (NP_958786.1, residues 1820-1840): AEEDAARQRA[Glu1830Lys]AERVLAEKLA